The following is an entry in ClinVar:

ClinVar aggregate classification (germline): Conflicting classifications of pathogenicity. Review status: criteria provided, conflicting classifications (1 of 4 stars). 4 submissions from 4 submitters: Uncertain significance (1); Benign (1); Likely benign (1). 1 of the submissions does not count toward it. Last evaluated 2025-12-16.

Conditions:
EGF-related disorder. Also called: EGF-related condition.
Renal hypomagnesemia 4. Also called: HYPOMAGNESEMIA, RENAL, NORMOCALCIURIC. Identifiers: Orphanet 34527, MedGen C2673648, MONDO:0012717, OMIM 611718.

Allele frequency attached by ClinVar (database versions not stated): 1000 Genomes Project 0.00040; 1000 Genomes Project 30x 0.00047; TOPMed 0.00111; gnomAD 0.00123 and 0.00124; ExAC 0.00142; ESP Exome Variant Server 0.00146; gnomAD exomes 0.00146 and 0.00176.
gnomAD v4.1: 2,781 of 1,613,910 alleles (0.17%); highest among the groups gnomAD compares: Non-Finnish European, 0.19%; 5 homozygotes.

Submissions (4):

Labcorp Genetics (formerly Invitae), Labcorp
Classification: Benign. Last evaluated: 2025-12-16. Review status: criteria provided, single submitter. Criteria: Invitae Variant Classification Sherloc (09022015). Collection method: clinical testing. Allele origin: germline.

Blueprint Genetics
Classification: Likely benign. Last evaluated: 2024-11-26. Review status: criteria provided, single submitter. Criteria: ACMG Guidelines, 2015. Collection method: clinical testing. Allele origin: germline.

Illumina Laboratory Services, Illumina
Classification: Uncertain significance for Renal hypomagnesemia 4. Last evaluated: 2018-01-12. Review status: criteria provided, single submitter. Criteria: ICSL Variant Classification Criteria 13 December 2019. Collection method: clinical testing. Allele origin: germline.

PreventionGenetics, part of Exact Sciences
Classification: Likely benign for EGF-related condition. Last evaluated: 2020-06-08. Review status: no assertion criteria provided. Collection method: clinical testing. Allele origin: germline. Not counted in ClinVar's aggregate classification.
Comment: This variant is classified as likely benign based on ACMG/AMP sequence variant interpretation guidelines (Richards et al. 2015 PMID: 25741868, with internal and published modifications).

NM_001963.6(EGF):c.3371-4A>G

Gene: EGF (epidermal growth factor; plus strand). Cytogenetic location: 4q25.
Variant type: single nucleotide variant.
Coding change: c.3371-4A>G on transcript NM_001963.6 (MANE Select); 4 bases into the intron before coding-DNA position 3371, A replaced by G.
Molecular consequence: intron variant.
Genome position (GRCh38, 1-based): chr4:110,011,198, A>G. VCF-style: chr4-110011198-A-G. GRCh37 (hg19) VCF-style: chr4-110932354-A-G.
Other names: c.3371-4A>G (NM_001963.5); c.3248-4A>G (NM_001178130.3); c.3245-4A>G (NM_001178131.3); c.2923-4A>G (NM_001357021.2).
Identifiers: ClinVar variation 347258 (VCV000347258.15), dbSNP rs41468451, ClinGen allele CA3044273.